The following is an entry in ClinVar:

ClinVar aggregate classification (germline): Uncertain significance (1 of 4 stars; one submission).

Conditions:
Leukodystrophy, hypomyelinating, 6. Also called: LEUKODYSTROPHY, HYPOMYELINATING, WITH ATROPHY OF THE BASAL GANGLIA AND CEREBELLUM; Hypomyelination with Atrophy of Basal Ganglia and Cerebellum (H-ABC); TUBB4A-Associated Leukodystrophy. Identifiers: Orphanet 139441, MedGen C2676244, MONDO:0012905, OMIM 612438.

Submission:

Labcorp Genetics (formerly Invitae), Labcorp
Classification: Uncertain significance for Leukodystrophy, hypomyelinating, 6. Last evaluated: 2025-04-10. Review status: criteria provided, single submitter. Criteria: Invitae Variant Classification Sherloc (09022015). Collection method: clinical testing. Allele origin: germline.
Comment: This sequence change replaces alanine, which is neutral and non-polar, with threonine, which is neutral and polar, at codon 315 of the TUBB4A protein (p.Ala315Thr). The frequency data for this variant in the population databases is considered unreliable, as metrics indicate poor data quality at this position in the gnomAD database. This variant has not been reported in the literature in individuals affected with TUBB4A-related conditions. Invitae Evidence Modeling of protein sequence and biophysical properties (such as structural, functional, and spatial information, amino acid conservation, physicochemical variation, residue mobility, and thermodynamic stability) indicates that this missense variant is not expected to disrupt TUBB4A protein function with a negative predictive value of 80%. In summary, the available evidence is currently insufficient to determine the role of this variant in disease. Therefore, it has been classified as a Variant of Uncertain Significance.

NM_006087.4(TUBB4A):c.943G>A (p.Ala315Thr)

Gene: TUBB4A (tubulin beta 4A class IVa; minus strand). Cytogenetic location: 19p13.3.
Variant type: single nucleotide variant.
Coding change: c.943G>A on transcript NM_006087.4 (MANE Select); coding-DNA position 943, G replaced by A.
Protein change: p.Ala315Thr; replaces alanine 315 with threonine.
Molecular consequence: missense variant.
Genome position (GRCh38, 1-based): chr19:6,495,556, C>T on the plus strand (G>A on the coding strand, the complement: TUBB4A is on the minus strand). VCF-style: chr19-6495556-C-T. GRCh37 (hg19) VCF-style: chr19-6495567-C-T.
Other names: c.1096G>A, p.Ala366Thr (NM_001289123.2); c.1078G>A, p.Ala360Thr (NM_001289127.2); c.943G>A, p.Ala315Thr (NM_001289129.2); c.727G>A, p.Ala243Thr (NM_001289130.2, NM_001289131.2); short protein forms A315T, A366T, A243T, A360T.
Identifiers: ClinVar variation 4713714 (VCV004713714.1).
Genomic context (GRCh38, chr19:6,495,556, plus strand): 5'-TCTGCACGCTCAGCATCTGCTCGTCCACCTCCTTCATGGACATGCGGCCCCGGAACACGG[C>T]GGCCACGGTCAGGTAGCGGCCGTGGCGCGGGTCGCACGCCGCCATCATGTTCTTGGCATC-3'
Protein context (NP_006078.2, residues 305-325): PRHGRYLTVA[Ala315Thr]VFRGRMSMKE